The following is an entry in ClinVar:

NM_001162501.2(TNRC6B):c.2706T>C (p.Tyr902=)

Gene: TNRC6B (trinucleotide repeat containing adaptor 6B; plus strand). Cytogenetic location: 22q13.1.
Variant type: single nucleotide variant.
Coding change: c.2706T>C on transcript NM_001162501.2 (MANE Select); coding-DNA position 2706, T replaced by C.
Protein change: p.Tyr902=; no amino-acid change (tyrosine 902 retained).
Molecular consequence: synonymous variant. On other transcripts: intron variant (1).
Genome position (GRCh38, 1-based): chr22:40,266,936, T>C. VCF-style: chr22-40266936-T-C. GRCh37 (hg19) VCF-style: chr22-40662940-T-C.
Other names: c.2706T>C, p.Tyr902= (NM_015088.3); c.566-3186T>C (NM_001024843.2).
Identifiers: ClinVar variation 722165 (VCV000722165.18), dbSNP rs61743866, ClinGen allele CA10246870.

ClinVar aggregate classification (germline): Benign/Likely benign. Review status: criteria provided, multiple submitters, no conflicts (2 of 4 stars). 3 submissions from 3 submitters: Benign (2); Likely benign (1). Last evaluated 2024-11-01.

Allele frequency attached by ClinVar (database versions not stated): gnomAD exomes 0.00031 and 0.00083; ExAC 0.00111; gnomAD 0.00320 and 0.00343; ESP Exome Variant Server 0.00345; TOPMed 0.00364; 1000 Genomes Project 0.00479; 1000 Genomes Project 30x 0.00593.
gnomAD v4.1: 946 of 1,613,878 alleles (0.059%); highest among the groups gnomAD compares: African/African-American, 1.1%; 5 homozygotes.

Submissions (3):

CeGaT Center for Human Genetics Tuebingen
Classification: Likely benign. Last evaluated: 2024-11-01. Review status: criteria provided, single submitter. Criteria: CeGaT Center For Human Genetics Tuebingen Variant Classification Criteria Version 2. Collection method: clinical testing. Allele origin: germline. Affected: yes. Observed: 1 variant allele.
Comment: TNRC6B: BP4, BP7, BS1

Labcorp Genetics (formerly Invitae), Labcorp
Classification: Benign. Last evaluated: 2019-12-31. Review status: criteria provided, single submitter. Criteria: Invitae Variant Classification Sherloc (09022015). Collection method: clinical testing. Allele origin: germline.

Breakthrough Genomics
Classification: Benign. Review status: criteria provided, single submitter. Criteria: ACMG Guidelines, 2015. Collection method: not provided. Allele origin: germline. Inheritance: Autosomal dominant inheritance. Affected: yes.